The following is an entry in ClinVar:

NM_001127178.3(PIGG):c.1849G>A (p.Gly617Arg)

Gene: PIGG (phosphatidylinositol glycan anchor biosynthesis class G (EMM blood group); plus strand). Cytogenetic location: 4p16.3.
Variant type: single nucleotide variant.
Coding change: c.1849G>A on transcript NM_001127178.3 (MANE Select); coding-DNA position 1849, G replaced by A.
Protein change: p.Gly617Arg; replaces glycine 617 with arginine.
Molecular consequence: missense variant. On other transcripts: non-coding transcript variant (6).
Genome position (GRCh38, 1-based): chr4:523,693, G>A. VCF-style: chr4-523693-G-A. GRCh37 (hg19) VCF-style: chr4-517482-G-A.
Other names: c.1582G>A, p.Gly528Arg (NM_001289051.2, NM_001345986.2); c.1450G>A, p.Gly484Arg (NM_001289052.2); c.1558G>A, p.Gly520Arg (NM_001345987.2); c.820G>A, p.Gly274Arg (NM_001345988.2); c.316G>A, p.Gly106Arg (NM_001345990.2, NM_001345991.2); c.751G>A, p.Gly251Arg (NM_001345994.2); c.1825G>A, p.Gly609Arg (NM_017733.5); short protein forms G106R, G609R, G617R, G520R, G251R, G274R, G484R, G528R.
Identifiers: ClinVar variation 936321 (VCV000936321.7), dbSNP rs377765588, ClinGen allele CA2793463.

ClinVar aggregate classification (germline): Uncertain significance (1 of 4 stars; one submission).

Conditions:
Intellectual disability, autosomal recessive 53 (NEDHSCA). Also called: NEURODEVELOPMENTAL DISORDER WITH OR WITHOUT HYPOTONIA, SEIZURES, AND CEREBELLAR ATROPHY; GLYCOSYLPHOSPHATIDYLINOSITOL BIOSYNTHESIS DEFECT 13; Mental retardation, autosomal recessive 53. Identifiers: Orphanet 488635, MedGen C4310794, MONDO:0014832, OMIM 616917.

Allele frequency attached by ClinVar (database versions not stated): ExAC 0.00002; gnomAD exomes 0.00002; gnomAD 0.00007; ESP Exome Variant Server 0.00008; TOPMed 0.00008.
gnomAD v4.1: 50 of 1,614,112 alleles (0.0031%); highest among the groups gnomAD compares: East Asian, 0.0067%; no homozygotes.

Submission:

Labcorp Genetics (formerly Invitae), Labcorp
Classification: Uncertain significance for Intellectual disability, autosomal recessive 53. Last evaluated: 2022-10-25. Review status: criteria provided, single submitter. Criteria: Invitae Variant Classification Sherloc (09022015). Collection method: clinical testing. Allele origin: germline.
Comment: This sequence change replaces glycine, which is neutral and non-polar, with arginine, which is basic and polar, at codon 617 of the PIGG protein (p.Gly617Arg). This variant is present in population databases (rs377765588, gnomAD 0.006%). This variant has not been reported in the literature in individuals affected with PIGG-related conditions. ClinVar contains an entry for this variant (Variation ID: 936321). Advanced modeling of protein sequence and biophysical properties (such as structural, functional, and spatial information, amino acid conservation, physicochemical variation, residue mobility, and thermodynamic stability) performed at Invitae indicates that this missense variant is not expected to disrupt PIGG protein function. In summary, the available evidence is currently insufficient to determine the role of this variant in disease. Therefore, it has been classified as a Variant of Uncertain Significance.